The following is an entry in ClinVar:

ClinVar aggregate classification (germline): Uncertain significance (1 of 4 stars; one submission).

Allele frequency attached by ClinVar (database versions not stated): gnomAD 0.00001; TOPMed 0.00002.

Submission:

Labcorp Genetics (formerly Invitae), Labcorp
Classification: Uncertain significance. Last evaluated: 2022-02-25. Review status: criteria provided, single submitter. Criteria: Invitae Variant Classification Sherloc (09022015). Collection method: clinical testing. Allele origin: germline.
Comment: In summary, the available evidence is currently insufficient to determine the role of this variant in disease. Therefore, it has been classified as a Variant of Uncertain Significance. Algorithms developed to predict the effect of missense changes on protein structure and function are either unavailable or do not agree on the potential impact of this missense change (SIFT: "Deleterious"; PolyPhen-2: "Probably Damaging"; Align-GVGD: "Class C15"). ClinVar contains an entry for this variant (Variation ID: 1063083). This variant has not been reported in the literature in individuals affected with HPS6-related conditions. The frequency data for this variant in the population databases is considered unreliable, as metrics indicate poor data quality at this position in the gnomAD database. This sequence change replaces glycine, which is neutral and non-polar, with tryptophan, which is neutral and slightly polar, at codon 62 of the HPS6 protein (p.Gly62Trp).

NM_024747.6(HPS6):c.184G>T (p.Gly62Trp)

Genes: HPS6 (HPS6 biogenesis of lysosomal organelles complex 2 subunit 3; plus strand), LOC130004578 (ATAC-STARR-seq lymphoblastoid silent region 2738; plus strand). Cytogenetic location: 10q24.32.
Variant type: single nucleotide variant.
Coding change: c.184G>T on transcript NM_024747.6 (MANE Select); coding-DNA position 184, G replaced by T.
Protein change: p.Gly62Trp; replaces glycine 62 with tryptophan.
Molecular consequence: missense variant.
Genome position (GRCh38, 1-based): chr10:102,065,658, G>T. VCF-style: chr10-102065658-G-T. GRCh37 (hg19) VCF-style: chr10-103825415-G-T.
Other names: short protein forms G62W.
Identifiers: ClinVar variation 1063083 (VCV001063083.8), dbSNP rs997320624, ClinGen allele CA212199884.